The following is an entry in ClinVar:

ClinVar aggregate classification (germline): Conflicting classifications of pathogenicity. Review status: criteria provided, conflicting classifications (1 of 4 stars). 2 submissions from 2 submitters: Uncertain significance (1); Likely benign (1). Last evaluated 2023-11-13.

Conditions:
Inborn genetic diseases. Identifiers: MedGen C0950123, MeSH D030342.

gnomAD v4.1: 1 of 1,614,178 alleles (0.000062%); highest among the groups gnomAD compares: African/African-American, 0.0013%; no homozygotes.

Submissions (2):

Ambry Genetics
Classification: Likely benign for Inborn genetic diseases. Last evaluated: 2023-11-13. Review status: criteria provided, single submitter. Criteria: Ambry Variant Classification Scheme 2023. Collection method: clinical testing. Allele origin: germline.

Labcorp Genetics (formerly Invitae), Labcorp
Classification: Uncertain significance. Last evaluated: 2021-11-13. Review status: criteria provided, single submitter. Criteria: Invitae Variant Classification Sherloc (09022015). Collection method: clinical testing. Allele origin: germline.
Comment: Advanced modeling of protein sequence and biophysical properties (such as structural, functional, and spatial information, amino acid conservation, physicochemical variation, residue mobility, and thermodynamic stability) performed at Invitae indicates that this missense variant is not expected to disrupt PCDH12 protein function. In summary, the available evidence is currently insufficient to determine the role of this variant in disease. Therefore, it has been classified as a Variant of Uncertain Significance. This variant has not been reported in the literature in individuals affected with PCDH12-related conditions. This variant is not present in population databases (gnomAD no frequency). This sequence change replaces aspartic acid, which is acidic and polar, with glutamic acid, which is acidic and polar, at codon 1011 of the PCDH12 protein (p.Asp1011Glu).

NM_016580.4(PCDH12):c.3033C>A (p.Asp1011Glu)

Genes: PCDH12 (protocadherin 12; minus strand), RNF14 (ring finger protein 14; plus strand). Cytogenetic location: 5q31.3.
Variant type: single nucleotide variant.
Coding change: c.3033C>A on transcript NM_016580.4 (MANE Select); coding-DNA position 3033, C replaced by A.
Protein change: p.Asp1011Glu; replaces aspartic acid 1011 with glutamic acid.
Molecular consequence: missense variant.
Genome position (GRCh38, 1-based): chr5:141,949,529, G>T on the plus strand (C>A on the coding strand, the complement: PCDH12 is on the minus strand). VCF-style: chr5-141949529-G-T. GRCh37 (hg19) VCF-style: chr5-141329094-G-T.
Other names: c.3033C>A (NM_016580.2); short protein forms D1011E.
Identifiers: ClinVar variation 1392979 (VCV001392979.7), dbSNP rs2126919535, ClinGen allele CA361568019.